The following is an entry in ClinVar:

ClinVar aggregate classification (germline): Likely benign. Review status: criteria provided, multiple submitters, no conflicts (2 of 4 stars). 2 submissions from 2 submitters: Likely benign (2). Last evaluated 2026-05-26.

Conditions:
Gastrointestinal stromal tumor. Also called: Gastrointestinal stromal tumor, somatic; Gastrointestinal stroma tumor. Identifiers: Orphanet 44890, MedGen C0238198, MeSH D046152, MONDO:0011719, OMIM 606764, HP:0100723.

Allele frequency attached by ClinVar (database versions not stated): 1000 Genomes Project 0.00020; ESP Exome Variant Server 0.00023; 1000 Genomes Project 30x 0.00016.
gnomAD v4.1: 40 of 1,613,842 alleles (0.0025%); highest among the groups gnomAD compares: African/African-American, 0.043%; no homozygotes.

Submissions (2):

Myriad Genetics, Inc.
Classification: Likely benign for Gastrointestinal stromal tumor. Last evaluated: 2026-05-26. Review status: criteria provided, single submitter. Criteria: Myriad Autosomal Dominant, Autosomal Recessive and X-Linked Classification Criteria (2023). Collection method: clinical testing. Allele origin: unknown.
Comment: This variant is considered likely benign. This variant is intronic and is not expected to impact mRNA splicing.

Labcorp Genetics (formerly Invitae), Labcorp
Classification: Likely benign for Gastrointestinal stromal tumor. Last evaluated: 2026-01-11. Review status: criteria provided, single submitter. Criteria: Invitae Variant Classification Sherloc (09022015). Collection method: clinical testing. Allele origin: germline.

NM_000222.3(KIT):c.68-20G>A

Gene: KIT (KIT proto-oncogene, receptor tyrosine kinase; plus strand). Cytogenetic location: 4q12.
Variant type: single nucleotide variant.
Coding change: c.68-20G>A on transcript NM_000222.3 (MANE Select); 20 bases into the intron before coding-DNA position 68, G replaced by A.
Molecular consequence: intron variant.
Genome position (GRCh38, 1-based): chr4:54,695,492, G>A. VCF-style: chr4-54695492-G-A. GRCh37 (hg19) VCF-style: chr4-55561658-G-A.
Other names: c.68-20G>A (NM_001385284.1, NM_001385290.1, NM_001385288.1 and 4 more transcripts).
Identifiers: ClinVar variation 1605737 (VCV001605737.9), dbSNP rs72549299, ClinGen allele CA2923146.